The following is an entry in ClinVar:

NM_000503.6(EYA1):c.1598-15A>G

Gene: EYA1 (EYA transcriptional coactivator and phosphatase 1; minus strand). Cytogenetic location: 8q13.3.
Variant type: single nucleotide variant.
Coding change: c.1598-15A>G on transcript NM_000503.6 (MANE Select); 15 bases into the intron before coding-DNA position 1598, A replaced by G.
Molecular consequence: intron variant.
Genome position (GRCh38, 1-based): chr8:71,211,271, T>C on the plus strand (A>G on the coding strand, the complement: EYA1 is on the minus strand). VCF-style: chr8-71211271-T-C. GRCh37 (hg19) VCF-style: chr8-72123506-T-C.
Other names: c.1577-15A>G (NM_001370336.1); c.1685-15A>G (NM_001370333.1); c.1598-15A>G (NM_001370335.1, NM_001370334.1, NM_172058.4); c.1580-15A>G (NM_172059.5, NM_001288574.2); c.1232-15A>G (NM_001288575.2).
Identifiers: ClinVar variation 226638 (VCV000226638.14), dbSNP rs372286227, ClinGen allele CA4779403.
Genomic context (GRCh38, chr8:71,211,271, plus strand): 5'-TTTCTTCCAAACCTTTGAATTATTCTCTCAAAACAGCTTTCTTTTCCTAGTGAACAAAAA[T>C]AAATGATAGAAAATGTGAAGTTTGGGTAACCTAATGTGACAGTGCTTGAACTTTTTATAT-3'

ClinVar aggregate classification (germline): Benign/Likely benign. Review status: criteria provided, multiple submitters, no conflicts (2 of 4 stars). 6 submissions from 5 submitters: Benign (4); Likely benign (2). Last evaluated 2025-10-28.

Conditions:
Melnick-Fraser syndrome (BOR). Also called: Branchio-oto-renal syndrome; Branchiootorenal Syndrome (BORS); Branchiootorenal syndrome. Identifiers: Orphanet 107, MedGen C0265234, MONDO:0007029.
Otofaciocervical syndrome 1 (OTFCS). Identifiers: MedGen C3714941, MONDO:0024532, OMIM 166780.
Branchiootorenal syndrome 1. Also called: Branchio-Oto-Renal Syndrome 1. Identifiers: Orphanet 107, MedGen C4551702, MONDO:0007236, OMIM 113650.
Branchiootic syndrome 1 (BOS1). Also called: BO SYNDROME 1; BRANCHIOOTIC DYSPLASIA. Identifiers: MedGen C1865143, MONDO:0011258, OMIM 602588.

Allele frequency attached by ClinVar (database versions not stated): gnomAD below 0.00001 and 0.00033; TOPMed 0.00011; gnomAD exomes 0.00049 and 0.00097; ExAC 0.00128; 1000 Genomes Project 30x 0.00375; 1000 Genomes Project 0.00439.
gnomAD v4.1: 727 of 1,534,842 alleles (0.047%); highest among the groups gnomAD compares: South Asian, 0.77%; 6 homozygotes.

Submissions (6):

Labcorp Genetics (formerly Invitae), Labcorp
Classification: Benign for Melnick-Fraser syndrome. Last evaluated: 2025-10-28. Review status: criteria provided, single submitter. Criteria: Invitae Variant Classification Sherloc (09022015). Collection method: clinical testing. Allele origin: germline.

Blueprint Genetics
Classification: Likely benign. Last evaluated: 2024-09-24. Review status: criteria provided, single submitter. Criteria: ACMG Guidelines, 2015. Collection method: clinical testing. Allele origin: germline.

Fulgent Genetics
Classification: Likely benign for Branchiootorenal syndrome 1; Otofaciocervical syndrome 1; Branchiootic syndrome 1. Last evaluated: 2022-05-18. Review status: criteria provided, single submitter. Criteria: ACMG Guidelines, 2015. Collection method: clinical testing. Allele origin: unknown.

Illumina Laboratory Services, Illumina
Classification: Benign for Otofaciocervical syndrome 1. Last evaluated: 2018-01-13. Review status: criteria provided, single submitter. Criteria: ICSL Variant Classification Criteria 13 December 2019. Collection method: clinical testing. Allele origin: germline.
Comment: This variant was observed in the ICSL laboratory as part of a predisposition screen in an ostensibly healthy population. It had not been previously curated by ICSL or reported in the Human Gene Mutation Database (HGMD: prior to June 1st, 2018), and was therefore a candidate for classification through an automated scoring system. Utilizing variant allele frequency, disease prevalence and penetrance estimates, and inheritance mode, an automated score was calculated to assess if this variant is too frequent to cause the disease. Based on the score and internal cut-off values, a variant classified as benign is not then subjected to further curation. The score for this variant resulted in a classification of benign for this disease.

Illumina Laboratory Services, Illumina
Classification: Benign for Branchiootic syndrome. Last evaluated: 2018-01-13. Review status: criteria provided, single submitter. Criteria: ICSL Variant Classification Criteria 13 December 2019. Collection method: clinical testing. Allele origin: germline.
Comment: the same text as in the submission from Illumina Laboratory Services, Illumina above.

Laboratory for Molecular Medicine, Mass General Brigham Personalized Medicine
Classification: Benign. Last evaluated: 2015-11-23. Review status: criteria provided, single submitter. Criteria: LMM Criteria. Collection method: clinical testing. Allele origin: germline. Observed: 1 variant allele.
Comment: c.1598-15A>G in intron 15 of EYA1: This variant is not expected to have clinical significance because it has been identified in 0.9% (153/16504) of South Asian chromosomes by the Exome Aggregation Consortium (ExAC; dbSNP rs372286227).